The following is an entry in ClinVar:

NM_031935.3(HMCN1):c.11880C>A (p.Asn3960Lys)

Gene: HMCN1 (hemicentin 1; plus strand). Cytogenetic location: 1q31.1.
Variant type: single nucleotide variant.
Coding change: c.11880C>A on transcript NM_031935.3 (MANE Select); coding-DNA position 11880, C replaced by A.
Protein change: p.Asn3960Lys; replaces asparagine 3960 with lysine.
Molecular consequence: missense variant.
Genome position (GRCh38, 1-based): chr1:186,119,222, C>A. VCF-style: chr1-186119222-C-A. GRCh37 (hg19) VCF-style: chr1-186088354-C-A.
Other names: short protein forms N3960K.
Identifiers: ClinVar variation 2814890 (VCV002814890.3), dbSNP rs1362868721, ClinGen allele CA343947281.

ClinVar aggregate classification (germline): Uncertain significance (1 of 4 stars; one submission).

Allele frequency attached by ClinVar (database versions not stated): gnomAD exomes below 0.00001; TOPMed 0.00002.
gnomAD v4.1: 5 of 1,613,666 alleles (0.00031%); highest among the groups gnomAD compares: African/African-American, 0.0053%; no homozygotes.

Submission:

Labcorp Genetics (formerly Invitae), Labcorp
Classification: Uncertain significance. Last evaluated: 2022-11-17. Review status: criteria provided, single submitter. Criteria: Invitae Variant Classification Sherloc (09022015). Collection method: clinical testing. Allele origin: germline.
Comment: In summary, the available evidence is currently insufficient to determine the role of this variant in disease. Therefore, it has been classified as a Variant of Uncertain Significance. Algorithms developed to predict the effect of missense changes on protein structure and function (SIFT, PolyPhen-2, Align-GVGD) all suggest that this variant is likely to be tolerated. This variant has not been reported in the literature in individuals affected with HMCN1-related conditions. This variant is present in population databases (no rsID available, gnomAD 0.02%). This sequence change replaces asparagine, which is neutral and polar, with lysine, which is basic and polar, at codon 3960 of the HMCN1 protein (p.Asn3960Lys).